The following is an entry in ClinVar:

ClinVar aggregate classification (germline): Uncertain significance (1 of 4 stars; one submission).

Submission:

Labcorp Genetics (formerly Invitae), Labcorp
Classification: Uncertain significance. Last evaluated: 2022-04-18. Review status: criteria provided, single submitter. Criteria: Invitae Variant Classification Sherloc (09022015). Collection method: clinical testing. Allele origin: germline.
Comment: This variant has not been reported in the literature in individuals affected with YWHAG-related conditions. This variant is not present in population databases (gnomAD no frequency). This variant, c.634_645del, results in the deletion of 4 amino acid(s) of the YWHAG protein (p.Asn212_Ser215del), but otherwise preserves the integrity of the reading frame. In summary, the available evidence is currently insufficient to determine the role of this variant in disease. Therefore, it has been classified as a Variant of Uncertain Significance. Experimental studies and prediction algorithms are not available or were not evaluated, and the functional significance of this variant is currently unknown.

NM_012479.4(YWHAG):c.634_645del (p.Asn212_Ser215del)

Gene: YWHAG (tyrosine 3-monooxygenase/tryptophan 5-monooxygenase activation protein gamma; minus strand). Cytogenetic location: 7q11.23.
Variant type: Deletion.
Coding change: c.634_645del on transcript NM_012479.4 (MANE Select); coding-DNA positions 634 to 645, 12 bases deleted (AACGAGGACTCC).
Protein change: p.Asn212_Ser215del.
Molecular consequence: inframe deletion.
Genome position (GRCh38, 1-based): chr7:76,329,676-76,329,687, GGAGTCCTCGTT deleted on the plus strand (AACGAGGACTCC on the coding strand, the reverse complement: YWHAG is on the minus strand); deleting any 12 consecutive bases within chr7:76,329,676-76,329,688 gives the same sequence; the c. name uses the placement nearest the transcript's 3' end. VCF-style (leftmost placement, unchanged base first): chr7-76329675-AGGAGTCCTCGTT-A. GRCh37 (hg19) VCF-style: chr7-75958992-AGGAGTCCTCGTT-A.
Identifiers: ClinVar variation 2124192 (VCV002124192.4), dbSNP rs2536180564, ClinGen allele CA2580077360.